The following is an entry in ClinVar:

NM_032447.5(FBN3):c.2720G>A (p.Arg907Gln)

Gene: FBN3 (fibrillin 3; minus strand). Cytogenetic location: 19p13.2.
Variant type: single nucleotide variant.
Coding change: c.2720G>A on transcript NM_032447.5 (MANE Select); coding-DNA position 2720, G replaced by A.
Protein change: p.Arg907Gln; replaces arginine 907 with glutamine.
Molecular consequence: missense variant.
Genome position (GRCh38, 1-based): chr19:8,125,903, C>T on the plus strand (G>A on the coding strand, the complement: FBN3 is on the minus strand). VCF-style: chr19-8125903-C-T. GRCh37 (hg19) VCF-style: chr19-8190787-C-T.
Other names: c.2720G>A (NM_032447.3); c.2720G>A, p.Arg907Gln (NM_001321431.2); short protein forms R907Q.
Identifiers: ClinVar variation 2166512 (VCV002166512.5), dbSNP rs149673073, ClinGen allele CA9152756.
Genomic context (GRCh38, chr19:8,125,903, plus strand): 5'-AACAAAGGAAGAACGTGTGGCCCTGTATGCGGACCTCGCCTGGACTCACCCACGCACAGC[C>T]GGCCTGAGGCGTCCAGCATCAGGCCCTCTGGACACTCACAGCGGAAAGACCCAGCAGTGT-3'
Protein context (NP_115823.3, residues 897-917): PEGLMLDASG[Arg907Gln]LCVDVRLEPC

ClinVar aggregate classification (germline): Uncertain significance. Review status: criteria provided, multiple submitters, no conflicts (2 of 4 stars). 2 submissions from 2 submitters: Uncertain significance (2). Last evaluated 2025-06-27.

Allele frequency attached by ClinVar (database versions not stated): ExAC 0.00002; gnomAD 0.00007; TOPMed 0.00011; ESP Exome Variant Server 0.00015.
gnomAD v4.1: 30 of 1,611,852 alleles (0.0019%); highest among the groups gnomAD compares: African/African-American, 0.021%; no homozygotes.

Submissions (2):

Labcorp Genetics (formerly Invitae), Labcorp
Classification: Uncertain significance. Last evaluated: 2025-06-27. Review status: criteria provided, single submitter. Criteria: Invitae Variant Classification Sherloc (09022015). Collection method: clinical testing. Allele origin: germline.
Comment: This sequence change replaces arginine, which is basic and polar, with glutamine, which is neutral and polar, at codon 907 of the FBN3 protein (p.Arg907Gln). The frequency data for this variant in the population databases is considered unreliable, as metrics indicate poor data quality at this position in the gnomAD database. This variant has not been reported in the literature in individuals affected with FBN3-related conditions. ClinVar contains an entry for this variant (Variation ID: 2166512). Invitae Evidence Modeling of protein sequence and biophysical properties (such as structural, functional, and spatial information, amino acid conservation, physicochemical variation, residue mobility, and thermodynamic stability) indicates that this missense variant is expected to disrupt FBN3 protein function with a positive predictive value of 80%. In summary, the available evidence is currently insufficient to determine the role of this variant in disease. Therefore, it has been classified as a Variant of Uncertain Significance.

Ambry Genetics
Classification: Uncertain significance. Last evaluated: 2025-02-21. Review status: criteria provided, single submitter. Criteria: Ambry Variant Classification Scheme 2023. Collection method: clinical testing. Allele origin: germline.